The following is an entry in ClinVar:

NM_003560.4(PLA2G6):c.-130C>T

Genes: PLA2G6 (phospholipase A2 group VI; minus strand), LOC112695092 (Sharpr-MPRA regulatory region 6169; plus strand). Cytogenetic location: 22q13.1.
Variant type: single nucleotide variant.
Coding change: c.-130C>T on transcript NM_003560.4 (MANE Select); 130 bases upstream of the start codon, C replaced by T.
Molecular consequence: 5 prime UTR variant. On other transcripts: intron variant (5).
Genome position (GRCh38, 1-based): chr22:38,181,748, G>A on the plus strand (C>T on the coding strand, the complement: PLA2G6 is on the minus strand). VCF-style: chr22-38181748-G-A. GRCh37 (hg19) VCF-style: chr22-38577755-G-A.
Other names: c.-130C>T (NM_001004426.3); c.-126C>T (NM_001349864.2, NM_001349865.2); c.-532+36C>T (NM_001349868.2); c.-42+36C>T (NM_001349866.2); c.-46+36C>T (NM_001199562.3); c.-711+36C>T (NM_001349869.2, NM_001349867.2).
Identifiers: ClinVar variation 901047 (VCV000901047.5), dbSNP rs11570597, ClinGen allele CA324195916.

ClinVar aggregate classification (germline): Benign. Review status: criteria provided, multiple submitters, no conflicts (2 of 4 stars). 2 submissions from 2 submitters: Benign (2). Last evaluated 2017-04-27.

Conditions:
PLA2G6-associated neurodegeneration (PLAN). Also called: phospholipase A2-associated neurodegeneration. Identifiers: Orphanet 329303, MedGen CN204472, MONDO:0017998.

Allele frequency attached by ClinVar (database versions not stated): 1000 Genomes Project 0.00539; 1000 Genomes Project 30x 0.00703; gnomAD exomes 0.02500; TOPMed 0.01006.
gnomAD v4.1: 1,596 of 152,354 alleles (1%); highest among the groups gnomAD compares: Admixed American, 1.6%; 19 homozygotes.

Submissions (2):

Illumina Laboratory Services, Illumina
Classification: Benign for PLA2G6-associated neurodegeneration. Last evaluated: 2017-04-27. Review status: criteria provided, single submitter. Criteria: ICSL Variant Classification Criteria 13 December 2019. Collection method: clinical testing. Allele origin: germline.
Comment: This variant was observed as part of a predisposition screen in an ostensibly healthy population. A literature search was performed for the gene, cDNA change, and amino acid change (where applicable). Publications were found based on this search. The evidence from the literature, in combination with allele frequency data from public databases where available, was sufficient to rule this variant out of causing disease. Therefore, this variant is classified as benign.

Breakthrough Genomics
Classification: Benign. Review status: criteria provided, single submitter. Criteria: ACMG Guidelines, 2015. Collection method: not provided. Allele origin: germline. Inheritance: Autosomal recessive inheritance. Affected: yes.

Literature cited by the submitters: PubMed 21812034 (cited by Illumina Laboratory Services, Illumina).